The following is an entry in ClinVar:

NM_005546.4(ITK):c.586G>A (p.Glu196Lys)

Gene: ITK (IL2 inducible T cell kinase; plus strand). Cytogenetic location: 5q33.3.
Variant type: single nucleotide variant.
Coding change: c.586G>A on transcript NM_005546.4 (MANE Select); coding-DNA position 586, G replaced by A.
Protein change: p.Glu196Lys; replaces glutamic acid 196 with lysine.
Molecular consequence: missense variant.
Genome position (GRCh38, 1-based): chr5:157,222,953, G>A. VCF-style: chr5-157222953-G-A. GRCh37 (hg19) VCF-style: chr5-156649963-G-A.
Other names: short protein forms E196K.
Identifiers: ClinVar variation 1002737 (VCV001002737.8), dbSNP rs777670016, ClinGen allele CA3532815.

ClinVar aggregate classification (germline): Uncertain significance (1 of 4 stars; one submission).

Conditions:
Lymphoproliferative syndrome 1 (LPFS1). Identifiers: Orphanet 238505, Orphanet 538963, MedGen C3552634, MONDO:0013081, OMIM 613011.

Allele frequency attached by ClinVar (database versions not stated): TOPMed 0.00001; ExAC 0.00002; gnomAD exomes 0.00002.
gnomAD v4.1: 17 of 1,614,116 alleles (0.0011%); highest among the groups gnomAD compares: South Asian, 0.0077%; no homozygotes.

Submission:

Labcorp Genetics (formerly Invitae), Labcorp
Classification: Uncertain significance for Lymphoproliferative syndrome 1. Last evaluated: 2022-02-25. Review status: criteria provided, single submitter. Criteria: Invitae Variant Classification Sherloc (09022015). Collection method: clinical testing. Allele origin: germline.
Comment: This variant has not been reported in the literature in individuals affected with ITK-related conditions. This variant is present in population databases (rs777670016, gnomAD 0.01%). This sequence change replaces glutamic acid, which is acidic and polar, with lysine, which is basic and polar, at codon 196 of the ITK protein (p.Glu196Lys). ClinVar contains an entry for this variant (Variation ID: 1002737). In summary, the available evidence is currently insufficient to determine the role of this variant in disease. Therefore, it has been classified as a Variant of Uncertain Significance. Advanced modeling of protein sequence and biophysical properties (such as structural, functional, and spatial information, amino acid conservation, physicochemical variation, residue mobility, and thermodynamic stability) performed at Invitae indicates that this missense variant is not expected to disrupt ITK protein function.